The following is an entry in ClinVar:

NM_014845.6(FIG4):c.272C>T (p.Ser91Leu)

Gene: FIG4 (FIG4 phosphoinositide 5-phosphatase; plus strand). Cytogenetic location: 6q21.
Variant type: single nucleotide variant.
Coding change: c.272C>T on transcript NM_014845.6 (MANE Select); coding-DNA position 272, C replaced by T.
Protein change: p.Ser91Leu; replaces serine 91 with leucine.
Molecular consequence: missense variant.
Genome position (GRCh38, 1-based): chr6:109,716,551, C>T. VCF-style: chr6-109716551-C-T. GRCh37 (hg19) VCF-style: chr6-110037754-C-T.
Other names: short protein forms S91L.
Identifiers: ClinVar variation 1136649 (VCV001136649.11), dbSNP rs753543659, ClinGen allele CA3955722.

ClinVar aggregate classification (germline): Conflicting classifications of pathogenicity. Review status: criteria provided, conflicting classifications (1 of 4 stars). 2 submissions from 2 submitters: Uncertain significance (1); Likely benign (1). Last evaluated 2024-04-27.

Conditions:
Inborn genetic diseases. Identifiers: MedGen C0950123, MeSH D030342.
Charcot-Marie-Tooth disease type 4. Also called: Charcot-Marie-Tooth disease, type IV; Charcot-Marie-Tooth, Type 4. Identifiers: Orphanet 64749, MedGen C4082197, MONDO:0018995.

Allele frequency attached by ClinVar (database versions not stated): TOPMed 0.00001; gnomAD 0.00003; gnomAD exomes 0.00005 and 0.00008; ExAC 0.00011; 1000 Genomes Project 30x 0.00016.

Submissions (2):

Labcorp Genetics (formerly Invitae), Labcorp
Classification: Likely benign for Charcot-Marie-Tooth disease type 4. Last evaluated: 2024-04-27. Review status: criteria provided, single submitter. Criteria: Invitae Variant Classification Sherloc (09022015). Collection method: clinical testing. Allele origin: germline.

Ambry Genetics
Classification: Uncertain significance for Inborn genetic diseases. Last evaluated: 2021-02-19. Review status: criteria provided, single submitter. Criteria: Ambry Variant Classification Scheme 2023. Collection method: clinical testing. Allele origin: germline.
Comment: The p.S91L variant (also known as c.272C>T), located in coding exon 3 of the FIG4 gene, results from a C to T substitution at nucleotide position 272. The serine at codon 91 is replaced by leucine, an amino acid with dissimilar properties. This amino acid position is well conserved in available vertebrate species; however, leucine is the reference amino acid in other vertebrate species. In addition, this alteration is predicted to be tolerated by in silico analysis. Since supporting evidence is limited at this time, the clinical significance of this alteration remains unclear.